The following is an entry in ClinVar:

NM_001673.5(ASNS):c.1179_1180insA (p.Leu394fs)

Genes: ASNS (asparagine synthetase (glutamine-hydrolyzing); minus strand), CZ1P-ASNS (CZ1P-ASNS readthrough; minus strand). Cytogenetic location: 7q21.3.
Variant type: Insertion.
Coding change: c.1179_1180insA on transcript NM_001673.5 (MANE Select); coding-DNA positions 1179 to 1180, A inserted.
Protein change: p.Leu394fs; shifts the reading frame from leucine 394.
Molecular consequence: frameshift variant. On other transcripts: non-coding transcript variant (1).
Genome position: GRCh38 VCF-style: chr7-97854638-G-GT. GRCh37 (hg19) VCF-style: chr7-97483950-G-GT.
Other names: c.1116_1117insA, p.Leu373fs (NM_001178075.2); c.930_931insA, p.Leu311fs (NM_001178076.2, NM_001178077.1); c.1179_1180insA, p.Leu394fs (NM_001352496.2, NM_133436.3, NM_183356.4); short protein forms L311fs, L373fs, L394fs.
Identifiers: ClinVar variation 2710296 (VCV002710296.4), dbSNP rs2484636920, ClinGen allele CA2697557439.

ClinVar aggregate classification (germline): Pathogenic. Review status: criteria provided, multiple submitters, no conflicts (2 of 4 stars). 2 submissions from 2 submitters: Pathogenic (2). Last evaluated 2024-08-22.

Conditions:
Congenital microcephaly - severe encephalopathy - progressive cerebral atrophy syndrome. Also called: ASNS DEFICIENCY; Asparagine synthetase deficiency. Identifiers: Orphanet 391376, MedGen C3809971, MONDO:0014258, OMIM 615574.

Submissions (2):

Myriad Genetics, Inc.
Classification: Pathogenic for Congenital microcephaly - severe encephalopathy - progressive cerebral atrophy syndrome. Last evaluated: 2024-08-22. Review status: criteria provided, single submitter. Criteria: Myriad Autosomal Dominant, Autosomal Recessive and X-Linked Classification Criteria (2023). Collection method: clinical testing. Allele origin: unknown.
Comment: NM_001673.4(ASNS):c.1179_1180insA(L394Tfs*8) is expected to be pathogenic in the context of asparagine synthetase deficiency. This variant is predicted to lead to an abnormal or absent protein product due to the creation of a premature termination codon in ASNS, a gene where loss-of-function variants are known to be pathogenic. Please note: this variant was assessed in the context of healthy population screening.

Labcorp Genetics (formerly Invitae), Labcorp
Classification: Pathogenic. Last evaluated: 2024-01-19. Review status: criteria provided, single submitter. Criteria: Invitae Variant Classification Sherloc (09022015). Collection method: clinical testing. Allele origin: germline.
Comment: This sequence change creates a premature translational stop signal (p.Leu394Thrfs*8) in the ASNS gene. It is expected to result in an absent or disrupted protein product. Loss-of-function variants in ASNS are known to be pathogenic (PMID: 27422383, 30057589). This variant is not present in population databases (gnomAD no frequency). This variant has not been reported in the literature in individuals affected with ASNS-related conditions. Algorithms developed to predict the effect of sequence changes on RNA splicing suggest that this variant may disrupt the consensus splice site. For these reasons, this variant has been classified as Pathogenic.

Literature cited by the submitters: PubMed 27422383 (cited by Labcorp Genetics (formerly Invitae), Labcorp); PubMed 30057589 (cited by Labcorp Genetics (formerly Invitae), Labcorp).